The following is an entry in ClinVar:

NM_025179.4(PLXNA2):c.2433C>T (p.Cys811=)

Gene: PLXNA2 (plexin A2; minus strand). Cytogenetic location: 1q32.2.
Variant type: single nucleotide variant.
Coding change: c.2433C>T on transcript NM_025179.4 (MANE Select); coding-DNA position 2433, C replaced by T.
Protein change: p.Cys811=; no amino-acid change (cysteine 811 retained).
Molecular consequence: synonymous variant.
Genome position (GRCh38, 1-based): chr1:208,079,413, G>A on the plus strand (C>T on the coding strand, the complement: PLXNA2 is on the minus strand). VCF-style: chr1-208079413-G-A. GRCh37 (hg19) VCF-style: chr1-208252758-G-A.
Other names: c.2433C>T (NM_025179.3).
Identifiers: ClinVar variation 1129064 (VCV001129064.10), dbSNP rs758416853, ClinGen allele CA1373515.

ClinVar aggregate classification (germline): Likely benign. Review status: criteria provided, multiple submitters, no conflicts (2 of 4 stars). 2 submissions from 2 submitters: Likely benign (2). Last evaluated 2025-03-15.

Conditions:
PLXNA2-related disorder. Also called: PLXNA2-related condition.

Allele frequency attached by ClinVar (database versions not stated): gnomAD 0.00001; gnomAD exomes 0.00002; TOPMed 0.00002; ExAC 0.00005.
gnomAD v4.1: 14 of 1,611,266 alleles (0.00087%); highest among the groups gnomAD compares: East Asian, 0.0067%; no homozygotes.

Submissions (2):

PreventionGenetics, part of Exact Sciences
Classification: Likely benign for PLXNA2-related condition. Last evaluated: 2025-03-15. Review status: criteria provided, single submitter. Criteria: ACMG Guidelines, 2015. Collection method: clinical testing. Allele origin: germline.
Comment: This variant is classified as likely benign based on ACMG/AMP sequence variant interpretation guidelines (Richards et al. 2015 PMID: 25741868, with internal and published modifications).

Labcorp Genetics (formerly Invitae), Labcorp
Classification: Likely benign. Last evaluated: 2020-10-25. Review status: criteria provided, single submitter. Criteria: Invitae Variant Classification Sherloc (09022015). Collection method: clinical testing. Allele origin: germline.